The following is an entry in ClinVar:

NM_198529.4(EFCAB5):c.3811G>A (p.Gly1271Ser)

Gene: EFCAB5 (EF-hand calcium binding domain 5; plus strand). Cytogenetic location: 17q11.2.
Variant type: single nucleotide variant.
Coding change: c.3811G>A on transcript NM_198529.4 (MANE Select); coding-DNA position 3811, G replaced by A.
Protein change: p.Gly1271Ser; replaces glycine 1271 with serine.
Molecular consequence: missense variant.
Genome position (GRCh38, 1-based): chr17:30,090,548, G>A. VCF-style: chr17-30090548-G-A. GRCh37 (hg19) VCF-style: chr17-28417566-G-A.
Other names: short protein forms G1271S.
Identifiers: ClinVar variation 3034135 (VCV003034135.2), dbSNP rs140949092, ClinGen allele CA8479377.
Genomic context (GRCh38, chr17:30,090,548, plus strand): 5'-ATAGTAGTTCCACTTCGTGAGAGAACAGGAGAGGCTCTGGGAGTCCTCGATTTTAACATC[G>A]GCCAAAATAGGATGTTGTTGTGTCAAGAATATAAAGATCTACAGAAAATGATGAAAGTGG-3'
Protein context (NP_940931.3, residues 1261-1281): EALGVLDFNI[Gly1271Ser]QNRMLLCQEY

ClinVar aggregate classification (germline): Benign (0 of 4 stars; one submission).

Conditions:
EFCAB5-related disorder. Also called: EFCAB5-related condition.

Allele frequency attached by ClinVar (database versions not stated): gnomAD exomes 0.00075; ExAC 0.00124; ESP Exome Variant Server 0.00219; 1000 Genomes Project 30x 0.00250; gnomAD 0.00251; 1000 Genomes Project 0.00260; TOPMed 0.00314.
gnomAD v4.1: 1,561 of 1,613,862 alleles (0.097%); highest among the groups gnomAD compares: African/African-American, 0.64%; 4 homozygotes.

Submission:

PreventionGenetics, part of Exact Sciences
Classification: Benign for EFCAB5-related condition. Last evaluated: 2019-06-11. Review status: no assertion criteria provided. Collection method: clinical testing. Allele origin: germline.
Comment: This variant is classified as benign based on ACMG/AMP sequence variant interpretation guidelines (Richards et al. 2015 PMID: 25741868, with internal and published modifications).